The following is an entry in ClinVar:

NM_181507.2(HPS5):c.2737C>T (p.Leu913Phe)

Gene: HPS5 (HPS5 biogenesis of lysosomal organelles complex 2 subunit 2; minus strand). Cytogenetic location: 11p15.1.
Variant type: single nucleotide variant.
Coding change: c.2737C>T on transcript NM_181507.2 (MANE Select); coding-DNA position 2737, C replaced by T.
Protein change: p.Leu913Phe; replaces leucine 913 with phenylalanine.
Molecular consequence: missense variant.
Genome position (GRCh38, 1-based): chr11:18,286,691, G>A on the plus strand (C>T on the coding strand, the complement: HPS5 is on the minus strand). VCF-style: chr11-18286691-G-A. GRCh37 (hg19) VCF-style: chr11-18308238-G-A.
Other names: c.2395C>T, p.Leu799Phe (NM_007216.4, NM_181508.2); short protein forms L799F, L913F.
Identifiers: ClinVar variation 1911913 (VCV001911913.5), dbSNP rs2494477056, ClinGen allele CA379517087.
Genomic context (GRCh38, chr11:18,286,691, plus strand): 5'-GAGCATCAAGGGACACTGCCAAAAGCAGCCAATCCAACCTTAAAGACTCTGGTTGCAGAA[G>A]GGACTCAAGAAAAGATGACCTAAGAGAAAGTTGGGGAAAAAAGTCACCAATCTTCATGCT-3'
Protein context (NP_852608.1, residues 903-923): EDQRSSFLES[Leu913Phe]LQPESLRLDW

ClinVar aggregate classification (germline): Uncertain significance (1 of 4 stars; one submission).

Allele frequency attached by ClinVar (database versions not stated): gnomAD exomes below 0.00001.
gnomAD v4.1: 1 of 1,614,028 alleles (0.000062%); highest among the groups gnomAD compares: Non-Finnish European, 0.000085%; no homozygotes.

Submission:

Labcorp Genetics (formerly Invitae), Labcorp
Classification: Uncertain significance. Last evaluated: 2022-06-13. Review status: criteria provided, single submitter. Criteria: Invitae Variant Classification Sherloc (09022015). Collection method: clinical testing. Allele origin: germline.
Comment: In summary, the available evidence is currently insufficient to determine the role of this variant in disease. Therefore, it has been classified as a Variant of Uncertain Significance. Algorithms developed to predict the effect of missense changes on protein structure and function are either unavailable or do not agree on the potential impact of this missense change (SIFT: "Deleterious"; PolyPhen-2: "Probably Damaging"; Align-GVGD: "Class C0"). This variant has not been reported in the literature in individuals affected with HPS5-related conditions. This variant is not present in population databases (gnomAD no frequency). This sequence change replaces leucine, which is neutral and non-polar, with phenylalanine, which is neutral and non-polar, at codon 913 of the HPS5 protein (p.Leu913Phe).